The following is an entry in ClinVar:

ClinVar aggregate classification (germline): Uncertain significance (1 of 4 stars; one submission).

gnomAD v4.1: 16 of 1,614,188 alleles (0.00099%); highest among the groups gnomAD compares: Non-Finnish European, 0.0014%; no homozygotes.

Submission:

Labcorp Genetics (formerly Invitae), Labcorp
Classification: Uncertain significance. Last evaluated: 2023-10-04. Review status: criteria provided, single submitter. Criteria: Invitae Variant Classification Sherloc (09022015). Collection method: clinical testing. Allele origin: germline.
Comment: This sequence change replaces lysine, which is basic and polar, with asparagine, which is neutral and polar, at codon 3778 of the KMT2C protein (p.Lys3778Asn). This variant is not present in population databases (gnomAD no frequency). This variant has not been reported in the literature in individuals affected with KMT2C-related conditions. Advanced modeling of protein sequence and biophysical properties (such as structural, functional, and spatial information, amino acid conservation, physicochemical variation, residue mobility, and thermodynamic stability) performed at Invitae indicates that this missense variant is expected to disrupt KMT2C protein function. In summary, the available evidence is currently insufficient to determine the role of this variant in disease. Therefore, it has been classified as a Variant of Uncertain Significance.

NM_170606.3(KMT2C):c.11334A>C (p.Lys3778Asn)

Gene: KMT2C (lysine methyltransferase 2C; minus strand). Cytogenetic location: 7q36.1.
Variant type: single nucleotide variant.
Coding change: c.11334A>C on transcript NM_170606.3 (MANE Select); coding-DNA position 11334, A replaced by C.
Protein change: p.Lys3778Asn; replaces lysine 3778 with asparagine.
Molecular consequence: missense variant.
Genome position (GRCh38, 1-based): chr7:152,162,243, T>G on the plus strand (A>C on the coding strand, the complement: KMT2C is on the minus strand). VCF-style: chr7-152162243-T-G. GRCh37 (hg19) VCF-style: chr7-151859328-T-G.
Other names: short protein forms K3778N.
Identifiers: ClinVar variation 2835890 (VCV002835890.3), dbSNP rs370243339, ClinGen allele CA370100924.